The following is an entry in ClinVar:

NM_001563.4(IMPG1):c.2044+3A>G

Gene: IMPG1 (interphotoreceptor matrix proteoglycan 1; minus strand). Cytogenetic location: 6q14.1.
Variant type: single nucleotide variant.
Coding change: c.2044+3A>G on transcript NM_001563.4 (MANE Select); 3 bases into the intron after coding-DNA position 2044, A replaced by G.
Molecular consequence: intron variant.
Genome position (GRCh38, 1-based): chr6:75,947,311, T>C on the plus strand (A>G on the coding strand, the complement: IMPG1 is on the minus strand). VCF-style: chr6-75947311-T-C. GRCh37 (hg19) VCF-style: chr6-76657028-T-C.
Other names: c.1810+3A>G (NM_001282368.2).
Identifiers: ClinVar variation 4720262 (VCV004720262.1).

ClinVar aggregate classification (germline): Uncertain significance (1 of 4 stars; one submission).

gnomAD v4.1: 7 of 1,609,638 alleles (0.00043%); highest among the groups gnomAD compares: Non-Finnish European, 0.00051%; no homozygotes.

Submission:

Labcorp Genetics (formerly Invitae), Labcorp
Classification: Uncertain significance. Last evaluated: 2025-05-26. Review status: criteria provided, single submitter. Criteria: Invitae Variant Classification Sherloc (09022015). Collection method: clinical testing. Allele origin: germline.
Comment: This sequence change falls in intron 14 of the IMPG1 gene. It does not directly change the encoded amino acid sequence of the IMPG1 protein. It affects a nucleotide within the consensus splice site. This variant is not present in population databases (gnomAD no frequency). This variant has not been reported in the literature in individuals affected with IMPG1-related conditions. Variants that disrupt the consensus splice site are a relatively common cause of aberrant splicing (PMID: 17576681, 9536098). Algorithms developed to predict the effect of sequence changes on RNA splicing suggest that this variant is not likely to affect RNA splicing. In summary, the available evidence is currently insufficient to determine the role of this variant in disease. Therefore, it has been classified as a Variant of Uncertain Significance.

Literature cited by the submitters: PubMed 17576681; PubMed 9536098.